The following is an entry in ClinVar:

NM_182961.4(SYNE1):c.10347C>G (p.Ile3449Met)

Gene: SYNE1 (spectrin repeat containing nuclear envelope protein 1; minus strand). Cytogenetic location: 6q25.2.
Variant type: single nucleotide variant.
Coding change: c.10347C>G on transcript NM_182961.4 (MANE Select); coding-DNA position 10347, C replaced by G.
Protein change: p.Ile3449Met; replaces isoleucine 3449 with methionine.
Molecular consequence: missense variant.
Genome position (GRCh38, 1-based): chr6:152,359,411, G>C on the plus strand (C>G on the coding strand, the complement: SYNE1 is on the minus strand). VCF-style: chr6-152359411-G-C. GRCh37 (hg19) VCF-style: chr6-152680546-G-C.
Other names: c.10368C>G, p.Ile3456Met (NM_033071.5); short protein forms I3449M, I3456M.
Identifiers: ClinVar variation 1417702 (VCV001417702.8), dbSNP rs201204269, ClinGen allele CA150207785.

ClinVar aggregate classification (germline): Uncertain significance (1 of 4 stars; one submission).

Conditions:
Emery-Dreifuss muscular dystrophy 4, autosomal dominant (EDMD4). Also called: EMERY-DREIFUSS MUSCULAR DYSTROPHY 4 WITH VARIABLE FEATURES. Identifiers: Orphanet 261, MedGen C2751807, MONDO:0013071, OMIM 612998.
Autosomal recessive ataxia, Beauce type. Also called: Spinocerebellar ataxia, autosomal recessive 8; ATAXIA, RECESSIVE, OF BEAUCE; SYNE1 Deficiency; SYNE1-Related Autosomal Recessive Cerebellar Ataxia. Identifiers: Orphanet 88644, MedGen C1853116, MONDO:0012549, OMIM 610743.

gnomAD v4.1: 5 of 1,614,006 alleles (0.00031%); highest among the groups gnomAD compares: Non-Finnish European, 0.00042%; no homozygotes.

Submission:

Labcorp Genetics (formerly Invitae), Labcorp
Classification: Uncertain significance for Emery-Dreifuss muscular dystrophy 4, autosomal dominant; Autosomal recessive ataxia, Beauce type. Last evaluated: 2021-01-18. Review status: criteria provided, single submitter. Criteria: Invitae Variant Classification Sherloc (09022015). Collection method: clinical testing. Allele origin: germline.
Comment: In summary, the available evidence is currently insufficient to determine the role of this variant in disease. Therefore, it has been classified as a Variant of Uncertain Significance. This sequence change replaces isoleucine with methionine at codon 3456 of the SYNE1 protein (p.Ile3456Met). The isoleucine residue is highly conserved and there is a small physicochemical difference between isoleucine and methionine. This variant is not present in population databases (ExAC no frequency). This variant has not been reported in the literature in individuals with SYNE1-related conditions. Algorithms developed to predict the effect of missense changes on protein structure and function are either unavailable or do not agree on the potential impact of this missense change (SIFT: "Deleterious"; PolyPhen-2: "Probably Damaging"; Align-GVGD: "Class C0").